The following is an entry in ClinVar:

ClinVar aggregate classification (germline): Uncertain significance (1 of 4 stars; one submission).

Conditions:
Cardiovascular phenotype. Identifiers: MedGen CN230736.

gnomAD v4.1: 2 of 1,578,078 alleles (0.00013%); highest among the groups gnomAD compares: Non-Finnish European, 0.00017%; no homozygotes.

Submission:

Ambry Genetics
Classification: Uncertain significance for Cardiovascular phenotype. Last evaluated: 2024-12-08. Review status: criteria provided, single submitter. Criteria: Ambry Variant Classification Scheme 2023. Collection method: clinical testing. Allele origin: germline.
Comment: The p.D75G variant (also known as c.224A>G), located in coding exon 2 of the MYBPC3 gene, results from an A to G substitution at nucleotide position 224. The aspartic acid at codon 75 is replaced by glycine, an amino acid with similar properties. This amino acid position is conserved. In addition, this alteration is predicted to be deleterious by in silico analysis. Based on the available evidence, the clinical significance of this variant remains unclear.

NM_000256.3(MYBPC3):c.224A>G (p.Asp75Gly)

Gene: MYBPC3 (myosin binding protein C3; minus strand). Cytogenetic location: 11p11.2.
Variant type: single nucleotide variant.
Coding change: c.224A>G on transcript NM_000256.3 (MANE Select); coding-DNA position 224, A replaced by G.
Protein change: p.Asp75Gly; replaces aspartic acid 75 with glycine.
Molecular consequence: missense variant.
Genome position (GRCh38, 1-based): chr11:47,351,307, T>C on the plus strand (A>G on the coding strand, the complement: MYBPC3 is on the minus strand). VCF-style: chr11-47351307-T-C. GRCh37 (hg19) VCF-style: chr11-47372858-T-C.
Other names: short protein forms D75G.
Identifiers: ClinVar variation 3400435 (VCV003400435.1).
Genomic context (GRCh38, chr11:47,351,307, plus strand): 5'-ATGACCTTGAGGTCGAACTTGACCTTGGAGGAGCCAGCAATGACTGCGTAAGATCCCTGG[T>C]CGGCAGGGCCCACTTCCCGCACTGTCAGCGTATGCCGTGTGCCCTCTGTGGCCAGGCCGT-3'
Protein context (NP_000247.2, residues 65-85): TLTVREVGPA[Asp75Gly]QGSYAVIAGS